The following is an entry in ClinVar:

NM_014915.3(ANKRD26):c.4019A>G (p.Gln1340Arg)

Gene: ANKRD26 (ankyrin repeat domain 26; minus strand). Cytogenetic location: 10p12.1.
Variant type: single nucleotide variant.
Coding change: c.4019A>G on transcript NM_014915.3 (MANE Select); coding-DNA position 4019, A replaced by G.
Protein change: p.Gln1340Arg; replaces glutamine 1340 with arginine.
Molecular consequence: missense variant.
Genome position (GRCh38, 1-based): chr10:27,024,513, T>C on the plus strand (A>G on the coding strand, the complement: ANKRD26 is on the minus strand). VCF-style: chr10-27024513-T-C. GRCh37 (hg19) VCF-style: chr10-27313442-T-C.
Other names: c.4016A>G, p.Gln1339Arg (NM_001256053.2); short protein forms Q1340R, Q1339R.
Identifiers: ClinVar variation 3396293 (VCV003396293.3).

ClinVar aggregate classification (germline): Uncertain significance. Review status: criteria provided, multiple submitters, no conflicts (2 of 4 stars). 2 submissions from 2 submitters: Uncertain significance (2). Last evaluated 2024-10-15.

Conditions:
Inborn genetic diseases. Identifiers: MedGen C0950123, MeSH D030342.

Submissions (2):

Ambry Genetics
Classification: Uncertain significance for Inborn genetic diseases. Last evaluated: 2024-10-15. Review status: criteria provided, single submitter. Criteria: Ambry Variant Classification Scheme 2023. Collection method: clinical testing. Allele origin: germline.
Comment: The p.Q1340R variant (also known as c.4019A>G), located in coding exon 28 of the ANKRD26 gene, results from an A to G substitution at nucleotide position 4019. The glutamine at codon 1340 is replaced by arginine, an amino acid with highly similar properties. This amino acid position is conserved. In addition, this alteration is predicted to be tolerated by in silico analysis. Based on the available evidence, the clinical significance of this variant remains unclear.

Labcorp Genetics (formerly Invitae), Labcorp
Classification: Uncertain significance. Last evaluated: 2024-06-30. Review status: criteria provided, single submitter. Criteria: Invitae Variant Classification Sherloc (09022015). Collection method: clinical testing. Allele origin: germline.
Comment: This sequence change replaces glutamine, which is neutral and polar, with arginine, which is basic and polar, at codon 1340 of the ANKRD26 protein (p.Gln1340Arg). This variant is not present in population databases (gnomAD no frequency). This variant has not been reported in the literature in individuals affected with ANKRD26-related conditions. An algorithm developed to predict the effect of missense changes on protein structure and function (PolyPhen-2) suggests that this variant is likely to be tolerated. In summary, the available evidence is currently insufficient to determine the role of this variant in disease. Therefore, it has been classified as a Variant of Uncertain Significance.